The following is an entry in ClinVar:

ClinVar aggregate classification (germline): Uncertain significance (1 of 4 stars; one submission).

Conditions:
Cardiovascular phenotype. Identifiers: MedGen CN230736.

gnomAD v4.1: 3 of 1,611,290 alleles (0.00019%); highest among the groups gnomAD compares: Non-Finnish European, 0.00017%; no homozygotes.

Submission:

Ambry Genetics
Classification: Uncertain significance for Cardiovascular phenotype. Last evaluated: 2025-12-01. Review status: criteria provided, single submitter. Criteria: Ambry Variant Classification Scheme 2023. Collection method: clinical testing. Allele origin: germline.
Comment: The p.N389I variant (also known as c.1166A>T), located in coding exon 9 of the LIPA gene, results from an A to T substitution at nucleotide position 1166. The asparagine at codon 389 is replaced by isoleucine, an amino acid with dissimilar properties. This amino acid position is conserved. In addition, this alteration is predicted to be tolerated by in silico analysis. Based on the available evidence, the clinical significance of this variant remains unclear.

NM_000235.4(LIPA):c.1166A>T (p.Asn389Ile)

Gene: LIPA (lipase A, lysosomal acid type; minus strand). Cytogenetic location: 10q23.31.
Variant type: single nucleotide variant.
Coding change: c.1166A>T on transcript NM_000235.4 (MANE Select); coding-DNA position 1166, A replaced by T.
Protein change: p.Asn389Ile; replaces asparagine 389 with isoleucine.
Molecular consequence: missense variant.
Genome position (GRCh38, 1-based): chr10:89,214,862, T>A on the plus strand (A>T on the coding strand, the complement: LIPA is on the minus strand). VCF-style: chr10-89214862-T-A. GRCh37 (hg19) VCF-style: chr10-90974619-T-A.
Other names: c.1166A>T, p.Asn389Ile (NM_001127605.3, NM_001440818.1, NM_001440819.1 and 16 more transcripts); c.818A>T, p.Asn273Ile (NM_001288979.2); c.1298A>T, p.Asn433Ile (NM_001440836.1); c.1187A>T, p.Asn396Ile (NM_001440837.1); c.1181A>T, p.Asn394Ile (NM_001440838.1); c.998A>T, p.Asn333Ile (NM_001440839.1); short protein forms N394I, N333I, N433I, N273I, N389I, N396I.
Identifiers: ClinVar variation 4614518 (VCV004614518.1).